The following is an entry in ClinVar:

ClinVar aggregate classification (germline): Uncertain significance. Review status: criteria provided, multiple submitters, no conflicts (2 of 4 stars). 2 submissions from 2 submitters: Uncertain significance (2). Last evaluated 2025-08-04.

Conditions:
Cardiovascular phenotype. Identifiers: MedGen CN230736.
Dilated cardiomyopathy 1Z (CMD1Z). Identifiers: Orphanet 154, MedGen C2678475, MONDO:0012745, OMIM 611879.
Hypertrophic cardiomyopathy 13. Also called: TNNC1-Related Familial Hypertrophic Cardiomyopathy. Identifiers: MedGen C2750472, MONDO:0013195, OMIM 613243.

Submissions (2):

Ambry Genetics
Classification: Uncertain significance for Cardiovascular phenotype. Last evaluated: 2025-08-04. Review status: criteria provided, single submitter. Criteria: Ambry Variant Classification Scheme 2023. Collection method: clinical testing. Allele origin: germline.
Comment: The p.E135A variant (also known as c.404A>C), located in coding exon 5 of the TNNC1 gene, results from an A to C substitution at nucleotide position 404. The glutamic acid at codon 135 is replaced by alanine, an amino acid with dissimilar properties. This variant was reported in individual(s) with features consistent with dilated cardiomyopathy (DCM) (Hey TM et al. Circ Heart Fail, 2020 Oct;13:e006701). This amino acid position is highly conserved in available vertebrate species. In addition, the in silico prediction for this alteration is inconclusive. Based on the available evidence, the clinical significance of this variant remains unclear.

Labcorp Genetics (formerly Invitae), Labcorp
Classification: Uncertain significance for Hypertrophic cardiomyopathy 13; Dilated cardiomyopathy 1Z. Last evaluated: 2020-03-14. Review status: criteria provided, single submitter. Criteria: Invitae Variant Classification Sherloc (09022015). Collection method: clinical testing. Allele origin: germline.
Comment: In summary, the available evidence is currently insufficient to determine the role of this variant in disease. Therefore, it has been classified as a Variant of Uncertain Significance. Algorithms developed to predict the effect of missense changes on protein structure and function (SIFT, PolyPhen-2, Align-GVGD) all suggest that this variant is likely to be disruptive, but these predictions have not been confirmed by published functional studies and their clinical significance is uncertain. This variant has not been reported in the literature in individuals with TNNC1-related conditions. This variant is not present in population databases (ExAC no frequency). This sequence change replaces glutamic acid with alanine at codon 135 of the TNNC1 protein (p.Glu135Ala). The glutamic acid residue is highly conserved and there is a moderate physicochemical difference between glutamic acid and alanine.

Literature cited by the submitters: PubMed 33019804 (cited by Ambry Genetics).

NM_003280.3(TNNC1):c.404A>C (p.Glu135Ala)

Gene: TNNC1 (troponin C1, slow skeletal and cardiac type; minus strand). Cytogenetic location: 3p21.1.
Variant type: single nucleotide variant.
Coding change: c.404A>C on transcript NM_003280.3 (MANE Select); coding-DNA position 404, A replaced by C.
Protein change: p.Glu135Ala; replaces glutamic acid 135 with alanine.
Molecular consequence: missense variant.
Genome position (GRCh38, 1-based): chr3:52,451,441, T>G on the plus strand (A>C on the coding strand, the complement: TNNC1 is on the minus strand). VCF-style: chr3-52451441-T-G. GRCh37 (hg19) VCF-style: chr3-52485457-T-G.
Other names: c.404A>C (NM_003280.2); short protein forms E135A.
Identifiers: ClinVar variation 1024775 (VCV001024775.6), dbSNP rs1706325583, ClinGen allele CA353165333.